The following is an entry in ClinVar:

ClinVar aggregate classification (germline): Likely benign (1 of 4 stars; one submission).

Submission:

CeGaT Center for Human Genetics Tuebingen
Classification: Likely benign. Last evaluated: 2023-04-01. Review status: criteria provided, single submitter. Criteria: CeGaT Center For Human Genetics Tuebingen Variant Classification Criteria Version 2. Collection method: clinical testing. Allele origin: germline. Affected: yes. Observed: 1 variant allele.
Comment: TULP4: PM2:Supporting, BP4, BP7

NM_020245.5(TULP4):c.3321T>C (p.Pro1107=)

Gene: TULP4 (TUB like protein 4; plus strand). Cytogenetic location: 6q25.3.
Variant type: single nucleotide variant.
Coding change: c.3321T>C on transcript NM_020245.5 (MANE Select); coding-DNA position 3321, T replaced by C.
Protein change: p.Pro1107=; no amino-acid change (proline 1107 retained).
Molecular consequence: synonymous variant. On other transcripts: intron variant (1).
Genome position (GRCh38, 1-based): chr6:158,502,984, T>C. VCF-style: chr6-158502984-T-C. GRCh37 (hg19) VCF-style: chr6-158924016-T-C.
Other names: c.2015-3594T>C (NM_001007466.3).
Identifiers: ClinVar variation 2657090 (VCV002657090.24), dbSNP rs2483919104, ClinGen allele CA452981022.